The following is an entry in ClinVar:

NM_005883.3(APC2):c.4463G>A (p.Arg1488His)

Gene: APC2 (APC regulator of Wnt signaling pathway 2; plus strand). Cytogenetic location: 19p13.3.
Variant type: single nucleotide variant.
Coding change: c.4463G>A on transcript NM_005883.3 (MANE Select); coding-DNA position 4463, G replaced by A.
Protein change: p.Arg1488His; replaces arginine 1488 with histidine.
Molecular consequence: missense variant.
Genome position (GRCh38, 1-based): chr19:1,467,764, G>A. VCF-style: chr19-1467764-G-A. GRCh37 (hg19) VCF-style: chr19-1467763-G-A.
Other names: c.4460G>A, p.Arg1487His (NM_001351273.1); short protein forms R1487H, R1488H.
Identifiers: ClinVar variation 3412925 (VCV003412925.3).

ClinVar aggregate classification (germline): Uncertain significance. Review status: criteria provided, multiple submitters, no conflicts (2 of 4 stars). 2 submissions from 2 submitters: Uncertain significance (2). Last evaluated 2026-06-01.

Conditions:
Inborn genetic diseases. Identifiers: MedGen C0950123, MeSH D030342.

gnomAD v4.1: 11 of 1,429,802 alleles (0.00077%); highest among the groups gnomAD compares: East Asian, 0.0028%; no homozygotes.

Submissions (2):

CeGaT Center for Human Genetics Tuebingen
Classification: Uncertain significance. Last evaluated: 2026-06-01. Review status: criteria provided, single submitter. Criteria: CeGaT Center For Human Genetics Tuebingen Variant Classification Criteria Version 2. Collection method: clinical testing. Allele origin: germline. Affected: yes. Observed: 1 variant allele.
Comment: APC2: PM2

Ambry Genetics
Classification: Uncertain significance for Inborn genetic diseases. Last evaluated: 2024-07-16. Review status: criteria provided, single submitter. Criteria: Ambry Variant Classification Scheme 2023. Collection method: clinical testing. Allele origin: germline.